The following is an entry in ClinVar:

NM_001354604.2(MITF):c.989G>A (p.Arg330His)

Gene: MITF (melanocyte inducing transcription factor; plus strand). Cytogenetic location: 3p13.
Variant type: single nucleotide variant.
Coding change: c.989G>A on transcript NM_001354604.2 (MANE Select); coding-DNA position 989, G replaced by A.
Protein change: p.Arg330His; replaces arginine 330 with histidine.
Molecular consequence: missense variant.
Genome position (GRCh38, 1-based): chr3:69,956,488, G>A. VCF-style: chr3-69956488-G-A. GRCh37 (hg19) VCF-style: chr3-70005639-G-A.
Other names: c.668G>A, p.Arg223His (NM_000248.4); c.815G>A, p.Arg272His (NM_001184967.2, NM_001354608.2); c.986G>A, p.Arg329His (NM_001354605.2); c.968G>A, p.Arg323His (NM_001354606.2, NM_006722.3); c.920G>A, p.Arg307His (NM_001354607.2); c.650G>A, p.Arg217His (NM_198158.3); c.971G>A, p.Arg324His (NM_198159.3); c.923G>A, p.Arg308His (NM_198177.3); and 1 more; short protein forms R223H, R308H, R324H, R329H, R330H, R272H, R307H, R217H.
Identifiers: ClinVar variation 547532 (VCV000547532.5), dbSNP rs763119975, ClinGen allele CA2490524.

ClinVar aggregate classification (germline): Uncertain significance. Review status: criteria provided, multiple submitters, no conflicts (2 of 4 stars). 2 submissions from 2 submitters: Uncertain significance (2). Last evaluated 2025-05-18.

Conditions:
Melanoma, cutaneous malignant, susceptibility to, 8. Also called: MELANOMA AND RENAL CELL CARCINOMA, SUSCEPTIBILITY TO; Cutaneous malignant melanoma 8. Identifiers: Orphanet 293822, MedGen C3152204, MONDO:0013759, OMIM 614456.
Tietz syndrome (TADS). Also called: TIETZ ALBINISM-DEAFNESS SYNDROME; ALBINISM-DEAFNESS OF TIETZ; HYPOPIGMENTATION/DEAFNESS OF TIETZ. Identifiers: Orphanet 42665, MedGen C0391816, MONDO:0007077, OMIM 103500.
Waardenburg syndrome type 2A (WS2A). Also called: WAARDENBURG SYNDROME WITHOUT DYSTOPIA CANTHORUM. Identifiers: Orphanet 3440, MedGen C1860339, MONDO:0008671, OMIM 193510.

Allele frequency attached by ClinVar (database versions not stated): gnomAD exomes below 0.00001 and 0.00001; TOPMed below 0.00001; ExAC 0.00001.

Submissions (2):

Labcorp Genetics (formerly Invitae), Labcorp
Classification: Uncertain significance for Melanoma, cutaneous malignant, susceptibility to, 8; Waardenburg syndrome type 2A; Tietz syndrome. Last evaluated: 2025-05-18. Review status: criteria provided, single submitter. Criteria: Invitae Variant Classification Sherloc (09022015). Collection method: clinical testing. Allele origin: germline.
Comment: This sequence change replaces arginine, which is basic and polar, with histidine, which is basic and polar, at codon 223 of the MITF protein (p.Arg223His). This variant is present in population databases (rs763119975, gnomAD 0.003%). This missense change has been observed in individual(s) with MITF-related conditions (PMID: 30549420). It has also been observed to segregate with disease in related individuals. ClinVar contains an entry for this variant (Variation ID: 547532). Invitae Evidence Modeling of protein sequence and biophysical properties (such as structural, functional, and spatial information, amino acid conservation, physicochemical variation, residue mobility, and thermodynamic stability) indicates that this missense variant is expected to disrupt MITF protein function with a positive predictive value of 80%. In summary, the available evidence is currently insufficient to determine the role of this variant in disease. Therefore, it has been classified as a Variant of Uncertain Significance.

Center for Human Genetics, Inc
Classification: Uncertain significance for Waardenburg syndrome type 2A. Last evaluated: 2016-11-01. Review status: criteria provided, single submitter. Criteria: ACMG Guidelines, 2015. Collection method: clinical testing. Allele origin: germline. Affected: yes.

Literature cited by the submitters: PubMed 30549420 (cited by Labcorp Genetics (formerly Invitae), Labcorp).